The following is an entry in ClinVar:

NM_001042492.3(NF1):c.7918dup (p.Tyr2640fs)

Gene: NF1 (neurofibromin 1; plus strand). Cytogenetic location: 17q11.2.
Variant type: Duplication.
Coding change: c.7918dup on transcript NM_001042492.3 (MANE Select); coding-DNA position 7918, one base duplicated (T; older notation c.7918dupT).
Protein change: p.Tyr2640fs; shifts the reading frame from tyrosine 2640.
Molecular consequence: frameshift variant.
Genome position (GRCh38, 1-based): chr17:31,357,317, T duplicated; the last of 3 consecutive T bases (chr17:31,357,315-31,357,317); duplicating any one gives the same sequence. VCF-style (leftmost placement, unchanged base first): chr17-31357314-C-CT. GRCh37 (hg19) VCF-style: chr17-29684332-C-CT.
Other names: c.7855dupT (NM_000267.3); c.7855dup, p.Tyr2619Leufs (NM_000267.4); short protein forms Y2619fs, Y2640fs.
Identifiers: ClinVar variation 3237959 (VCV003237959.1), dbSNP rs2508830033.
Genomic context (GRCh38, chr17:31,357,314, plus strand): 5'-TTTGCATCTTGGCAGGCTACACTGGTAAAATATACCACAGATGAGTTTGATCAACGAATT[C>CT]TTTATGAATACTTAGCAGAGGCCAGTGTTGTGTTTCCCAAAGTCTTTCCTGTTGTGTAAG-3'

ClinVar aggregate classification (germline): Pathogenic (1 of 4 stars; one submission).

Conditions:
Hereditary cancer-predisposing syndrome. Also called: Neoplastic Syndromes, Hereditary; Tumor predisposition; Hereditary neoplastic syndrome; Hereditary Cancer Syndrome. Identifiers: Orphanet 140162, MedGen C0027672, MeSH D009386, MONDO:0015356.
Cardiovascular phenotype. Identifiers: MedGen CN230736.

Submission:

Ambry Genetics
Classification: Pathogenic for Cardiovascular phenotype; Hereditary cancer-predisposing syndrome. Last evaluated: 2024-01-29. Review status: criteria provided, single submitter. Criteria: Ambry Variant Classification Scheme 2023. Collection method: clinical testing. Allele origin: germline.
Comment: The c.7855dupT pathogenic mutation, located in coding exon 53 of the NF1 gene, results from a duplication of T at nucleotide position 7855, causing a translational frameshift with a predicted alternate stop codon (p.Y2619Lfs*2). This alteration is expected to result in loss of function by premature protein truncation or nonsense-mediated mRNA decay. As such, this alteration is interpreted as a disease-causing mutation.